The following is an entry in ClinVar:

ClinVar aggregate classification (germline): Pathogenic (1 of 4 stars; one submission).

Conditions:
Sandhoff disease. Also called: GM2-GANGLIOSIDOSIS, TYPE II; HEXOSAMINIDASES A AND B DEFICIENCY; Beta-hexosaminidase-beta-subunit deficiency; GM2 gangliosidosis, type 2; Total hexosaminidase deficiency; Sandhoff-Jatzkewitz-Pilz disease. Identifiers: Orphanet 796, MedGen C0036161, MONDO:0010006, OMIM 268800.

Submission:

Labcorp Genetics (formerly Invitae), Labcorp
Classification: Pathogenic for Sandhoff disease. Last evaluated: 2023-06-16. Review status: criteria provided, single submitter. Criteria: Invitae Variant Classification Sherloc (09022015). Collection method: clinical testing. Allele origin: germline.
Comment: This variant is not present in population databases (gnomAD no frequency). For these reasons, this variant has been classified as Pathogenic. This variant has not been reported in the literature in individuals affected with HEXB-related conditions. This sequence change creates a premature translational stop signal (p.Val179Ilefs*27) in the HEXB gene. It is expected to result in an absent or disrupted protein product. Loss-of-function variants in HEXB are known to be pathogenic (PMID: 7550345, 18758829).

Literature cited by the submitters: PubMed 7550345; PubMed 18758829.

NM_000521.4(HEXB):c.535_538del (p.Val179fs)

Gene: HEXB (hexosaminidase subunit beta; plus strand). Cytogenetic location: 5q13.3.
Variant type: Deletion.
Coding change: c.535_538del on transcript NM_000521.4 (MANE Select); coding-DNA positions 535 to 538, 4 bases deleted (GTTT; older notation c.535_538delGTTT).
Protein change: p.Val179fs; shifts the reading frame from valine 179.
Molecular consequence: frameshift variant. On other transcripts: 5 prime UTR variant (1).
Genome position (GRCh38, 1-based): chr5:74,696,716-74,696,719, GTTT deleted. VCF-style (leftmost placement, unchanged base first): chr5-74696715-AGTTT-A. GRCh37 (hg19) VCF-style: chr5-73992540-AGTTT-A.
Other names: c.-141_-138del (NM_001292004.2); short protein forms V179fs.
Identifiers: ClinVar variation 2717544 (VCV002717544.3), dbSNP rs2478711473, ClinGen allele CA2697547206.